The following is an entry in ClinVar:

NM_033305.3(VPS13A):c.5454T>C (p.Asp1818=)

Gene: VPS13A (vacuolar protein sorting 13 homolog A; plus strand). Cytogenetic location: 9q21.2.
Variant type: single nucleotide variant.
Coding change: c.5454T>C on transcript NM_033305.3 (MANE Select); coding-DNA position 5454, T replaced by C.
Protein change: p.Asp1818=; no amino-acid change (aspartic acid 1818 retained).
Molecular consequence: synonymous variant.
Genome position (GRCh38, 1-based): chr9:77,321,207, T>C. VCF-style: chr9-77321207-T-C. GRCh37 (hg19) VCF-style: chr9-79936123-T-C.
Other names: c.5337T>C, p.Asp1779= (NM_001018037.2); c.5454T>C, p.Asp1818= (NM_001018038.3, NM_015186.4).
Identifiers: ClinVar variation 1150341 (VCV001150341.33), dbSNP rs149575608, ClinGen allele CA5092796.

ClinVar aggregate classification (germline): Likely benign. Review status: criteria provided, multiple submitters, no conflicts (2 of 4 stars). 3 submissions from 3 submitters: Likely benign (3). Last evaluated 2024-12-02.

Allele frequency attached by ClinVar (database versions not stated): gnomAD exomes 0.00005 and 0.00006; TOPMed 0.00006; gnomAD 0.00009 and 0.00010; ExAC 0.00010; ESP Exome Variant Server 0.00015.
gnomAD v4.1: 88 of 1,612,594 alleles (0.0055%); highest among the groups gnomAD compares: Non-Finnish European, 0.0071%; no homozygotes.

Submissions (3):

Labcorp Genetics (formerly Invitae), Labcorp
Classification: Likely benign. Last evaluated: 2024-12-02. Review status: criteria provided, single submitter. Criteria: Invitae Variant Classification Sherloc (09022015). Collection method: clinical testing. Allele origin: germline.

Blueprint Genetics
Classification: Likely benign. Last evaluated: 2024-11-19. Review status: criteria provided, single submitter. Criteria: ACMG Guidelines, 2015. Collection method: clinical testing. Allele origin: germline.

CeGaT Center for Human Genetics Tuebingen
Classification: Likely benign. Last evaluated: 2023-10-01. Review status: criteria provided, single submitter. Criteria: CeGaT Center For Human Genetics Tuebingen Variant Classification Criteria Version 2. Collection method: clinical testing. Allele origin: germline. Affected: yes. Observed: 3 variant alleles.
Comment: VPS13A: BP4, BP7